The following is an entry in ClinVar:

ClinVar aggregate classification (germline): Uncertain significance. Review status: criteria provided, multiple submitters, no conflicts (2 of 4 stars). 2 submissions from 2 submitters: Uncertain significance (2). Last evaluated 2023-06-15.

Conditions:
Inborn genetic diseases. Identifiers: MedGen C0950123, MeSH D030342.

Allele frequency attached by ClinVar (database versions not stated): TOPMed below 0.00001.

Submissions (2):

Labcorp Genetics (formerly Invitae), Labcorp
Classification: Uncertain significance. Last evaluated: 2023-06-15. Review status: criteria provided, single submitter. Criteria: Invitae Variant Classification Sherloc (09022015). Collection method: clinical testing. Allele origin: germline.
Comment: This variant is not present in population databases (gnomAD no frequency). In summary, the available evidence is currently insufficient to determine the role of this variant in disease. Therefore, it has been classified as a Variant of Uncertain Significance. An algorithm developed to predict the effect of missense changes on protein structure and function (PolyPhen-2) suggests that this variant is likely to be disruptive. ClinVar contains an entry for this variant (Variation ID: 1976365). This variant has not been reported in the literature in individuals affected with RIPK1-related conditions. This sequence change replaces aspartic acid, which is acidic and polar, with tyrosine, which is neutral and polar, at codon 138 of the RIPK1 protein (p.Asp138Tyr).

Ambry Genetics
Classification: Uncertain significance for Inborn genetic diseases. Last evaluated: 2021-06-18. Review status: criteria provided, single submitter. Criteria: Ambry Variant Classification Scheme 2023. Collection method: clinical testing. Allele origin: germline.

NM_001354930.2(RIPK1):c.412G>T (p.Asp138Tyr)

Gene: RIPK1 (receptor interacting serine/threonine kinase 1; plus strand). Cytogenetic location: 6p25.2.
Variant type: single nucleotide variant.
Coding change: c.412G>T on transcript NM_001354930.2 (MANE Select); coding-DNA position 412, G replaced by T.
Protein change: p.Asp138Tyr; replaces aspartic acid 138 with tyrosine.
Molecular consequence: missense variant. On other transcripts: 5 prime UTR variant (4), intron variant (1).
Genome position (GRCh38, 1-based): chr6:3,081,069, G>T. VCF-style: chr6-3081069-G-T. GRCh37 (hg19) VCF-style: chr6-3081303-G-T.
Other names: c.-192G>T (NM_001317061.3, NM_001354932.2, NM_001354933.2 and 1 more transcripts); c.412G>T, p.Asp138Tyr (NM_003804.6); c.322-2016G>T (NM_001354931.2); short protein forms D138Y.
Identifiers: ClinVar variation 1976365 (VCV001976365.6), dbSNP rs1189800403, ClinGen allele CA362577050.